The following is an entry in ClinVar:

NM_198586.3(NHLRC1):c.755G>C (p.Arg252Pro)

Gene: NHLRC1 (NHL repeat containing E3 ubiquitin protein ligase 1; minus strand). Cytogenetic location: 6p22.3.
Variant type: single nucleotide variant.
Coding change: c.755G>C on transcript NM_198586.3 (MANE Select); coding-DNA position 755, G replaced by C.
Protein change: p.Arg252Pro; replaces arginine 252 with proline.
Molecular consequence: missense variant.
Genome position (GRCh38, 1-based): chr6:18,121,852, C>G on the plus strand (G>C on the coding strand, the complement: NHLRC1 is on the minus strand). VCF-style: chr6-18121852-C-G. GRCh37 (hg19) VCF-style: chr6-18122083-C-G.
Other names: short protein forms R252P.
Identifiers: ClinVar variation 2734825 (VCV002734825.3), dbSNP rs371072212, ClinGen allele CA3649942.

ClinVar aggregate classification (germline): Uncertain significance (1 of 4 stars; one submission).

Conditions:
Lafora disease. Also called: Epilepsy progressive myoclonic 2; Progressive Myoclonus Epilepsy, Lafora Type. Identifiers: Orphanet 501, MedGen C0751783, MONDO:0009697.

gnomAD v4.1: 3 of 1,614,088 alleles (0.00019%); highest among the groups gnomAD compares: Non-Finnish European, 0.00025%; no homozygotes.

Submission:

Labcorp Genetics (formerly Invitae), Labcorp
Classification: Uncertain significance for Lafora disease. Last evaluated: 2023-10-22. Review status: criteria provided, single submitter. Criteria: Invitae Variant Classification Sherloc (09022015). Collection method: clinical testing. Allele origin: germline.
Comment: This sequence change replaces arginine, which is basic and polar, with proline, which is neutral and non-polar, at codon 252 of the NHLRC1 protein (p.Arg252Pro). This variant is present in population databases (rs371072212, gnomAD 0.0009%). This missense change has been observed in individual(s) with clinical features of NHLRC1-related conditions (PMID: 27054081). Advanced modeling of protein sequence and biophysical properties (such as structural, functional, and spatial information, amino acid conservation, physicochemical variation, residue mobility, and thermodynamic stability) performed at Invitae indicates that this missense variant is not expected to disrupt NHLRC1 protein function with a negative predictive value of 80%. In summary, the available evidence is currently insufficient to determine the role of this variant in disease. Therefore, it has been classified as a Variant of Uncertain Significance.

Literature cited by the submitters: PubMed 27054081.